The following is an entry in ClinVar:

ClinVar aggregate classification (germline): Uncertain significance (0 of 4 stars; one submission).

Conditions:
WDR11-related disorder. Also called: WDR11-related condition.

gnomAD v4.1: 14 of 1,613,718 alleles (0.00087%); highest among the groups gnomAD compares: East Asian, 0.0045%; no homozygotes.

Submission:

PreventionGenetics, part of Exact Sciences
Classification: Uncertain significance for WDR11-related condition. Last evaluated: 2024-05-31. Review status: no assertion criteria provided. Collection method: clinical testing. Allele origin: germline.
Comment: The WDR11 c.1904G>A variant is predicted to result in the amino acid substitution p.Arg635Gln. To our knowledge, this variant has not been reported in the literature. This variant is reported in 0.0065% of alleles in individuals of South Asian descent in gnomAD. At this time, the clinical significance of this variant is uncertain due to the absence of conclusive functional and genetic evidence.

NM_018117.12(WDR11):c.1904G>A (p.Arg635Gln)

Gene: WDR11 (WD repeat domain 11; plus strand). Cytogenetic location: 10q26.12.
Variant type: single nucleotide variant.
Coding change: c.1904G>A on transcript NM_018117.12 (MANE Select); coding-DNA position 1904, G replaced by A.
Protein change: p.Arg635Gln; replaces arginine 635 with glutamine.
Molecular consequence: missense variant.
Genome position (GRCh38, 1-based): chr10:120,885,869, G>A. VCF-style: chr10-120885869-G-A. GRCh37 (hg19) VCF-style: chr10-122645381-G-A.
Other names: short protein forms R635Q.
Identifiers: ClinVar variation 3353088 (VCV003353088.1).